The following is an entry in ClinVar:

NM_012268.4(PLD3):c.549C>T (p.Ser183=)

Gene: PLD3 (phospholipase D family member 3; plus strand). Cytogenetic location: 19q13.2.
Variant type: single nucleotide variant.
Coding change: c.549C>T on transcript NM_012268.4 (MANE Select); coding-DNA position 549, C replaced by T.
Protein change: p.Ser183=; no amino-acid change (serine 183 retained).
Molecular consequence: synonymous variant.
Genome position (GRCh38, 1-based): chr19:40,370,027, C>T. VCF-style: chr19-40370027-C-T. GRCh37 (hg19) VCF-style: chr19-40875934-C-T.
Other names: c.549C>T, p.Ser183= (NM_001031696.4, NM_001291311.2).
Identifiers: ClinVar variation 1914377 (VCV001914377.5), dbSNP rs371987481, ClinGen allele CA308388729.

ClinVar aggregate classification (germline): Uncertain significance (1 of 4 stars; one submission).

Allele frequency attached by ClinVar (database versions not stated): ESP Exome Variant Server 0.00008; 1000 Genomes Project 30x 0.00016; 1000 Genomes Project 0.00020.

Submission:

Labcorp Genetics (formerly Invitae), Labcorp
Classification: Uncertain significance. Last evaluated: 2022-03-23. Review status: criteria provided, single submitter. Criteria: Invitae Variant Classification Sherloc (09022015). Collection method: clinical testing. Allele origin: germline.
Comment: Algorithms developed to predict the effect of sequence changes on RNA splicing suggest that this variant is not likely to affect RNA splicing. This sequence change affects codon 183 of the PLD3 mRNA. It is a 'silent' change, meaning that it does not change the encoded amino acid sequence of the PLD3 protein. It affects a nucleotide within the consensus splice site. The frequency data for this variant in the population databases is considered unreliable, as metrics indicate poor data quality at this position in the gnomAD database. This variant has not been reported in the literature in individuals affected with PLD3-related conditions. In summary, the available evidence is currently insufficient to determine the role of this variant in disease. Therefore, it has been classified as a Variant of Uncertain Significance.